The following is an entry in ClinVar:

NM_001365951.3(KIF1B):c.4811T>C (p.Val1604Ala)

Gene: KIF1B (kinesin family member 1B; plus strand). Cytogenetic location: 1p36.22.
Variant type: single nucleotide variant.
Coding change: c.4811T>C on transcript NM_001365951.3 (MANE Select); coding-DNA position 4811, T replaced by C.
Protein change: p.Val1604Ala; replaces valine 1604 with alanine.
Molecular consequence: missense variant.
Genome position (GRCh38, 1-based): chr1:10,368,525, T>C. VCF-style: chr1-10368525-T-C. GRCh37 (hg19) VCF-style: chr1-10428583-T-C.
Other names: c.4811T>C, p.Val1604Ala (NM_001365952.1); c.4673T>C, p.Val1558Ala (NM_015074.3); short protein forms V1558A, V1604A.
Identifiers: ClinVar variation 1742344 (VCV001742344.2), dbSNP rs1638637871, ClinGen allele CA338324601.

ClinVar aggregate classification (germline): Uncertain significance (1 of 4 stars; one submission).

Allele frequency attached by ClinVar (database versions not stated): TOPMed below 0.00001.

Submission:

Ambry Genetics
Classification: Uncertain significance. Last evaluated: 2022-09-20. Review status: criteria provided, single submitter. Criteria: Ambry Variant Classification Scheme 2023. Collection method: clinical testing. Allele origin: germline.
Comment: The p.V1558A variant (also known as c.4673T>C), located in coding exon 41 of the KIF1B gene, results from a T to C substitution at nucleotide position 4673. The valine at codon 1558 is replaced by alanine, an amino acid with similar properties. This amino acid position is conserved. In addition, this alteration is predicted to be tolerated by in silico analysis. Since supporting evidence is limited at this time, the clinical significance of this alteration remains unclear.